The following is an entry in ClinVar:

NM_021020.5(LZTS1):c.1048G>C (p.Glu350Gln)

Gene: LZTS1 (leucine zipper tumor suppressor 1; minus strand). Cytogenetic location: 8p21.3.
Variant type: single nucleotide variant.
Coding change: c.1048G>C on transcript NM_021020.5 (MANE Select); coding-DNA position 1048, G replaced by C.
Protein change: p.Glu350Gln; replaces glutamic acid 350 with glutamine.
Molecular consequence: missense variant.
Genome position (GRCh38, 1-based): chr8:20,252,883, C>G on the plus strand (G>C on the coding strand, the complement: LZTS1 is on the minus strand). VCF-style: chr8-20252883-C-G. GRCh37 (hg19) VCF-style: chr8-20110394-C-G.
Other names: c.1048G>C, p.Glu350Gln (NM_001362884.2); short protein forms E350Q.
Identifiers: ClinVar variation 3677939 (VCV003677939.2).

ClinVar aggregate classification (germline): Uncertain significance (1 of 4 stars; one submission).

gnomAD v4.1: 1 of 1,610,972 alleles (0.000062%); highest among the groups gnomAD compares: Non-Finnish European, 0.000085%; no homozygotes.

Submission:

Labcorp Genetics (formerly Invitae), Labcorp
Classification: Uncertain significance. Last evaluated: 2024-07-31. Review status: criteria provided, single submitter. Criteria: Invitae Variant Classification Sherloc (09022015). Collection method: clinical testing. Allele origin: germline.
Comment: This sequence change replaces glutamic acid, which is acidic and polar, with glutamine, which is neutral and polar, at codon 350 of the LZTS1 protein (p.Glu350Gln). This variant is present in population databases (no rsID available, gnomAD 0.0009%). This variant has not been reported in the literature in individuals affected with LZTS1-related conditions. Advanced modeling of protein sequence and biophysical properties (such as structural, functional, and spatial information, amino acid conservation, physicochemical variation, residue mobility, and thermodynamic stability) performed at Invitae indicates that this missense variant is not expected to disrupt LZTS1 protein function with a negative predictive value of 80%. In summary, the available evidence is currently insufficient to determine the role of this variant in disease. Therefore, it has been classified as a Variant of Uncertain Significance.